The following is an entry in ClinVar:

NM_014014.5(SNRNP200):c.1193A>G (p.Gln398Arg)

Gene: SNRNP200 (small nuclear ribonucleoprotein U5 subunit 200; minus strand). Cytogenetic location: 2q11.2.
Variant type: single nucleotide variant.
Coding change: c.1193A>G on transcript NM_014014.5 (MANE Select); coding-DNA position 1193, A replaced by G.
Protein change: p.Gln398Arg; replaces glutamine 398 with arginine.
Molecular consequence: missense variant.
Genome position (GRCh38, 1-based): chr2:96,297,647, T>C on the plus strand (A>G on the coding strand, the complement: SNRNP200 is on the minus strand). VCF-style: chr2-96297647-T-C. GRCh37 (hg19) VCF-style: chr2-96963385-T-C.
Other names: c.1193A>G (NM_014014.4); short protein forms Q398R.
Identifiers: ClinVar variation 4956008 (VCV004956008.2).

ClinVar aggregate classification (germline): Uncertain significance. Review status: criteria provided, multiple submitters, no conflicts (2 of 4 stars). 2 submissions from 2 submitters: Uncertain significance (2). Last evaluated 2026-05-13.

Conditions:
SNRNP200-related disorder. Also called: SNRNP200-related condition.

gnomAD v4.1: 50 of 1,614,122 alleles (0.0031%); highest among the groups gnomAD compares: Non-Finnish European, 0.0042%; no homozygotes.

Submissions (2):

PreventionGenetics, part of Exact Sciences
Classification: Uncertain significance for SNRNP200-related condition. Last evaluated: 2026-05-13. Review status: criteria provided, single submitter. Criteria: ACMG Guidelines, 2015. Collection method: clinical testing. Allele origin: germline.
Comment: The SNRNP200 c.1193A>G variant is predicted to result in the amino acid substitution p.Gln398Arg. To our knowledge, this variant has not been reported in the literature. This variant is present in 0.0062% of alleles in individuals of European (Non-Finnish) descent in gnomAD. At this time, the clinical significance of this variant is uncertain due to the absence of conclusive functional and genetic evidence.

Blueprint Genetics
Classification: Uncertain significance. Last evaluated: 2023-01-19. Review status: criteria provided, single submitter. Criteria: ACMG Guidelines, 2015. Collection method: clinical testing. Allele origin: germline.